The following is an entry in ClinVar:

NM_000465.4(BARD1):c.2284T>C (p.Trp762Arg)

Gene: BARD1 (BRCA1 associated RING domain 1; minus strand). Cytogenetic location: 2q35.
Variant type: single nucleotide variant.
Coding change: c.2284T>C on transcript NM_000465.4 (MANE Select); coding-DNA position 2284, T replaced by C.
Protein change: p.Trp762Arg; replaces tryptophan 762 with arginine.
Molecular consequence: missense variant. On other transcripts: non-coding transcript variant (3).
Genome position (GRCh38, 1-based): chr2:214,728,726, A>G on the plus strand (T>C on the coding strand, the complement: BARD1 is on the minus strand). VCF-style: chr2-214728726-A-G. GRCh37 (hg19) VCF-style: chr2-215593450-A-G.
Other names: c.2227T>C, p.Trp743Arg (NM_001282543.2); c.931T>C, p.Trp311Arg (NM_001282545.2); c.874T>C, p.Trp292Arg (NM_001282548.2); c.745T>C, p.Trp249Arg (NM_001282549.2); short protein forms W762R, W292R, W249R, W311R, W743R.
Identifiers: ClinVar variation 237832 (VCV000237832.24), dbSNP rs878854008, ClinGen allele CA10581917.

ClinVar aggregate classification (germline): Uncertain significance. Review status: criteria provided, multiple submitters, no conflicts (2 of 4 stars). 7 submissions from 7 submitters: Uncertain significance (6). 1 of the submissions does not count toward it. Last evaluated 2024-09-24.

Conditions:
Hereditary cancer-predisposing syndrome. Also called: Neoplastic Syndromes, Hereditary; Hereditary neoplastic syndrome; Tumor predisposition; Hereditary Cancer Syndrome. Identifiers: Orphanet 140162, MedGen C0027672, MeSH D009386, MONDO:0015356.
Familial cancer of breast. Also called: BREAST CANCER, FAMILIAL; hereditary breast carcinoma; Hereditary breast cancer. Identifiers: Orphanet 227535, MedGen C0346153, MONDO:0016419, OMIM 114480. Disease mechanism: loss of function.

Allele frequency attached by ClinVar (database versions not stated): gnomAD exomes below 0.00001; TOPMed below 0.00001.
gnomAD v4.1: 6 of 1,614,228 alleles (0.00037%); highest among the groups gnomAD compares: East Asian, 0.0022%; no homozygotes.

Submissions (7):

Ambry Genetics
Classification: Uncertain significance for Hereditary cancer-predisposing syndrome. Last evaluated: 2024-09-24. Review status: criteria provided, single submitter. Criteria: Ambry Variant Classification Scheme 2023. Collection method: clinical testing. Allele origin: germline.
Comment: The p.W762R variant (also known as c.2284T>C), located in coding exon 11 of the BARD1 gene, results from a T to C substitution at nucleotide position 2284. The tryptophan at codon 762 is replaced by arginine, an amino acid with dissimilar properties. This variant was identified in an individual meeting testing criteria for Hereditary Breast and Ovarian Cancer syndrome, but personal and family medical history was not specifically provided (Chrysafi P et al. Cancers (Basel), 2023 Dec;15:). This amino acid position is highly conserved in available vertebrate species. In addition, this alteration is predicted to be deleterious by in silico analysis. Based on the available evidence, the clinical significance of this variant remains unclear.

Baylor Genetics
Classification: Uncertain significance for Familial cancer of breast. Last evaluated: 2024-03-25. Review status: criteria provided, single submitter. Criteria: ACMG Guidelines, 2015. Collection method: clinical testing. Allele origin: unknown.

Labcorp Genetics (formerly Invitae), Labcorp
Classification: Uncertain significance for Familial cancer of breast. Last evaluated: 2024-02-22. Review status: criteria provided, single submitter. Criteria: Invitae Variant Classification Sherloc (09022015). Collection method: clinical testing. Allele origin: germline.
Comment: This sequence change replaces tryptophan, which is neutral and slightly polar, with arginine, which is basic and polar, at codon 762 of the BARD1 protein (p.Trp762Arg). This variant is present in population databases (no rsID available, gnomAD 0.006%). This variant has not been reported in the literature in individuals affected with BARD1-related conditions. ClinVar contains an entry for this variant (Variation ID: 237832). An algorithm developed to predict the effect of missense changes on protein structure and function (PolyPhen-2) suggests that this variant is likely to be disruptive. In summary, the available evidence is currently insufficient to determine the role of this variant in disease. Therefore, it has been classified as a Variant of Uncertain Significance.

Quest Diagnostics Nichols Institute San Juan Capistrano
Classification: Uncertain significance. Last evaluated: 2024-01-16. Review status: criteria provided, single submitter. Criteria: Quest Diagnostics criteria. Collection method: clinical testing. Allele origin: unknown.
Comment: The BARD1 c.2284T>C (p.Trp762Arg) variant has been reported in the published literature in an individual with breast cancer and in an individual with suspected hereditary breast and ovarian cancer (PMIDs: 33471991 (2021) and 36243179 (2022)), see also LOVD).The frequency of this variant in the general population, 0.000004 (1/251222 chromosomes (Genome Aggregation Database)), is uninformative in the assessment of its pathogenicity. Analysis of this variant using bioinformatics tools for the prediction of the effect of amino acid changes on protein structure and function yielded predictions that this variant is damaging. Based on the available information, we are unable to determine the clinical significance of this variant.

Color Diagnostics, LLC DBA Color Health
Classification: Uncertain significance for Hereditary cancer-predisposing syndrome. Last evaluated: 2023-10-18. Review status: criteria provided, single submitter. Criteria: ACMG Guidelines, 2015. Collection method: clinical testing. Allele origin: germline.
Comment: This missense variant replaces tryptophan with arginine at codon 762 of the BARD1 protein. Computational prediction suggests that this variant may have deleterious impact on protein structure and function (internally defined REVEL score threshold >= 0.7, PMID: 27666373). To our knowledge, functional studies have not been reported for this variant. This variant has been reported in an individual affected with breast cancer (PMID: 33471991; Leiden Open Variation Database DB-ID BARD1_000048) and in an unaffected individual (PMID: 32980694). This variant has been identified in 1/251222 chromosomes in the general population by the Genome Aggregation Database (gnomAD). The available evidence is insufficient to determine the role of this variant in disease conclusively. Therefore, this variant is classified as a Variant of Uncertain Significance.

Myriad Genetics, Inc.
Classification: Uncertain significance for Familial cancer of breast. Last evaluated: 2023-02-24. Review status: criteria provided, single submitter. Criteria: Myriad Autosomal Dominant, Autosomal Recessive and X-Linked Classification Criteria (2023). Collection method: clinical testing. Allele origin: unknown.
Comment: This variant is classified as a variant of uncertain significance as there is insufficient evidence to determine its impact on protein function and/or cancer risk.

Counsyl
Classification: Uncertain significance for Familial cancer of breast. Last evaluated: 2018-03-12. Review status: no assertion criteria provided. Collection method: clinical testing. Allele origin: unknown. Not counted in ClinVar's aggregate classification.

Literature cited by the submitters: PubMed 33471991 (cited by Quest Diagnostics Nichols Institute San Juan Capistrano and Color Diagnostics, LLC DBA Color Health); PubMed 36243179 (cited by Quest Diagnostics Nichols Institute San Juan Capistrano); PubMed 38136308 (cited by Quest Diagnostics Nichols Institute San Juan Capistrano); PubMed 32980694 (cited by Color Diagnostics, LLC DBA Color Health).